The following is an entry in ClinVar:

NM_198576.4(AGRN):c.4323G>A (p.Ala1441=)

Gene: AGRN (agrin; plus strand). Cytogenetic location: 1p36.33.
Variant type: single nucleotide variant.
Coding change: c.4323G>A on transcript NM_198576.4 (MANE Select); coding-DNA position 4323, G replaced by A.
Protein change: p.Ala1441=; no amino-acid change (alanine 1441 retained).
Molecular consequence: synonymous variant.
Genome position (GRCh38, 1-based): chr1:1,049,260, G>A. VCF-style: chr1-1049260-G-A. GRCh37 (hg19) VCF-style: chr1-984640-G-A.
Other names: c.4323G>A, p.Ala1441= (NM_001305275.2); c.4008G>A, p.Ala1336= (NM_001364727.2).
Identifiers: ClinVar variation 487335 (VCV000487335.38), dbSNP rs373287346, ClinGen allele CA509428.
Genomic context (GRCh38, chr1:1,049,260, plus strand): 5'-CGGGCGATGGTCCTGAGCACCTGCTCCTGCCCTCAGGTTTGACACAGGTTCGGGGCCGGC[G>A]GTGCTGACCAGTGCCGTGCCGGTAGAGCCGGGCCAGTGGCACCGCCTGGAGCTGTCCCGG-3'
Protein context (NP_940978.2, residues 1431-1451): QLRFDTGSGP[Ala1441=]VLTSAVPVEP

ClinVar aggregate classification (germline): Benign/Likely benign. Review status: criteria provided, multiple submitters, no conflicts (2 of 4 stars). 4 submissions from 4 submitters: Benign (1); Likely benign (2). 1 of the submissions does not count toward it. Last evaluated 2026-01-20.

Conditions:
Congenital myasthenic syndrome 8. Also called: Myasthenic syndrome, congenital, 8, with pre- and postsynaptic defects; MYASTHENIC SYNDROME, CONGENITAL, DUE TO AGRIN DEFICIENCY. Identifiers: Orphanet 590, MedGen C3808739, MONDO:0014052, OMIM 615120.
AGRN-related disorder. Also called: AGRN-related condition.

Allele frequency attached by ClinVar (database versions not stated): ESP Exome Variant Server 0.00016; gnomAD exomes 0.00023; ExAC 0.00034; gnomAD 0.00065 and 0.00066; TOPMed 0.00075; 1000 Genomes Project 30x 0.00234; 1000 Genomes Project 0.00260.
gnomAD v4.1: 260 of 1,590,696 alleles (0.016%); highest among the groups gnomAD compares: African/African-American, 0.27%; no homozygotes.

Submissions (4):

Labcorp Genetics (formerly Invitae), Labcorp
Classification: Benign for Congenital myasthenic syndrome 8. Last evaluated: 2026-01-20. Review status: criteria provided, single submitter. Criteria: Invitae Variant Classification Sherloc (09022015). Collection method: clinical testing. Allele origin: germline.

CeGaT Center for Human Genetics Tuebingen
Classification: Likely benign. Last evaluated: 2022-09-01. Review status: criteria provided, single submitter. Criteria: CeGaT Center For Human Genetics Tuebingen Variant Classification Criteria Version 2. Collection method: clinical testing. Allele origin: germline. Affected: yes. Observed: 1 variant allele.
Comment: AGRN: BP4, BP7

GeneDx
Classification: Likely benign. Last evaluated: 2020-12-10. Review status: criteria provided, single submitter. Criteria: GeneDx Variant Classification Process June 2021. Collection method: clinical testing. Allele origin: germline. Affected: yes.

PreventionGenetics, part of Exact Sciences
Classification: Benign for AGRN-related condition. Last evaluated: 2024-01-30. Review status: no assertion criteria provided. Collection method: clinical testing. Allele origin: germline. Not counted in ClinVar's aggregate classification.
Comment: This variant is classified as benign based on ACMG/AMP sequence variant interpretation guidelines (Richards et al. 2015 PMID: 25741868, with internal and published modifications).